The following is an entry in ClinVar:

NM_003036.4(SKI):c.1434G>C (p.Lys478Asn)

Gene: SKI (SKI proto-oncogene; plus strand). Cytogenetic location: 1p36.32.
Variant type: single nucleotide variant.
Coding change: c.1434G>C on transcript NM_003036.4 (MANE Select); coding-DNA position 1434, G replaced by C.
Protein change: p.Lys478Asn; replaces lysine 478 with asparagine.
Molecular consequence: missense variant.
Genome position (GRCh38, 1-based): chr1:2,304,062, G>C. VCF-style: chr1-2304062-G-C. GRCh37 (hg19) VCF-style: chr1-2235501-G-C.
Other names: short protein forms K478N.
Identifiers: ClinVar variation 2794141 (VCV002794141.3), dbSNP rs1410238560, ClinGen allele CA337956727.
Genomic context (GRCh38, chr1:2,304,062, plus strand): 5'-TGTGGACACCCCAGGAGCCCCAGAGACGCTGGCGCCCGTGGCTGCCCCAGAGGAGGACAA[G>C]GACTCGGAGGCGGAGGTGGAAGTTGAAAGCAGGGAGGAATGTACGTGTGAGTCGCTTTCT-3'
Protein context (NP_003027.1, residues 468-488): LAPVAAPEED[Lys478Asn]DSEAEVEVES

ClinVar aggregate classification (germline): Uncertain significance (1 of 4 stars; one submission).

Conditions:
Shprintzen-Goldberg syndrome (SGS). Also called: Marfanoid disorder with craniosynostosis type 1; Marfanoid craniosynostosis syndrome; Shprintzen-Goldberg marfanoid syndrome; SHPRINTZEN-GOLDBERG CRANIOSYNOSTOSIS SYNDROME; CRANIOSYNOSTOSIS WITH ARACHNODACTYLY AND ABDOMINAL HERNIAS. Identifiers: Orphanet 2462, MedGen C1321551, MONDO:0008426, OMIM 182212.

Allele frequency attached by ClinVar (database versions not stated): gnomAD exomes below 0.00001.
gnomAD v4.1: 1 of 1,612,622 alleles (0.000062%); highest among the groups gnomAD compares: Non-Finnish European, 0.000085%; no homozygotes.

Submission:

Labcorp Genetics (formerly Invitae), Labcorp
Classification: Uncertain significance for Shprintzen-Goldberg syndrome. Last evaluated: 2023-10-03. Review status: criteria provided, single submitter. Criteria: Invitae Variant Classification Sherloc (09022015). Collection method: clinical testing. Allele origin: germline.
Comment: This sequence change replaces lysine, which is basic and polar, with asparagine, which is neutral and polar, at codon 478 of the SKI protein (p.Lys478Asn). This variant is not present in population databases (gnomAD no frequency). This variant has not been reported in the literature in individuals affected with SKI-related conditions. Advanced modeling of protein sequence and biophysical properties (such as structural, functional, and spatial information, amino acid conservation, physicochemical variation, residue mobility, and thermodynamic stability) performed at Invitae indicates that this missense variant is not expected to disrupt SKI protein function. In summary, the available evidence is currently insufficient to determine the role of this variant in disease. Therefore, it has been classified as a Variant of Uncertain Significance.